The following is an entry in ClinVar:

ClinVar aggregate classification (germline): Uncertain significance (1 of 4 stars; one submission).

gnomAD v4.1: 1 of 1,614,104 alleles (0.000062%); highest among the groups gnomAD compares: Admixed American, 0.0017%; no homozygotes.

Submission:

Labcorp Genetics (formerly Invitae), Labcorp
Classification: Uncertain significance. Last evaluated: 2024-02-06. Review status: criteria provided, single submitter. Criteria: Invitae Variant Classification Sherloc (09022015). Collection method: clinical testing. Allele origin: germline.
Comment: This sequence change replaces glutamic acid, which is acidic and polar, with lysine, which is basic and polar, at codon 145 of the DSTYK protein (p.Glu145Lys). This variant is present in population databases (no rsID available, gnomAD no frequency). This variant has not been reported in the literature in individuals affected with DSTYK-related conditions. An algorithm developed to predict the effect of missense changes on protein structure and function (PolyPhen-2) suggests that this variant is likely to be tolerated. In summary, the available evidence is currently insufficient to determine the role of this variant in disease. Therefore, it has been classified as a Variant of Uncertain Significance.

NM_015375.3(DSTYK):c.433G>A (p.Glu145Lys)

Gene: DSTYK (dual serine/threonine and tyrosine protein kinase; minus strand). Cytogenetic location: 1q32.1.
Variant type: single nucleotide variant.
Coding change: c.433G>A on transcript NM_015375.3 (MANE Select); coding-DNA position 433, G replaced by A.
Protein change: p.Glu145Lys; replaces glutamic acid 145 with lysine.
Molecular consequence: missense variant.
Genome position (GRCh38, 1-based): chr1:205,187,639, C>T on the plus strand (G>A on the coding strand, the complement: DSTYK is on the minus strand). VCF-style: chr1-205187639-C-T. GRCh37 (hg19) VCF-style: chr1-205156767-C-T.
Other names: c.433G>A, p.Glu145Lys (NM_199462.3); short protein forms E145K.
Identifiers: ClinVar variation 3699617 (VCV003699617.2).